The following continues an entry in ClinVar:

NM_133259.4(LRPPRC):c.3570-3C>T

Gene: LRPPRC. ClinVar aggregate classification (germline): Benign. Benign (6).

Submissions 32 to 68 of 110:

Dr. Peter K. Rogan Lab, Western University
No classification provided (evidence only). Condition: Acute myeloid leukemia. Review status: no classification provided. Collection method: in vitro. Allele origin: not applicable. Functional consequence: skipped exon, retained intron. Not counted in ClinVar's aggregate classification.

Dr. Peter K. Rogan Lab, Western University
No classification provided (evidence only). Condition: Acute myeloid leukemia. Review status: no classification provided. Collection method: in vitro. Allele origin: not applicable. Functional consequence: retained intron. Not counted in ClinVar's aggregate classification.

Dr. Peter K. Rogan Lab, Western University
No classification provided (evidence only). Condition: Acute myeloid leukemia. Review status: no classification provided. Collection method: in vitro. Allele origin: not applicable. Functional consequence: retained intron. Not counted in ClinVar's aggregate classification.

Dr. Peter K. Rogan Lab, Western University
No classification provided (evidence only). Condition: Acute myeloid leukemia. Review status: no classification provided. Collection method: in vitro. Allele origin: not applicable. Functional consequence: retained intron. Not counted in ClinVar's aggregate classification.

Dr. Peter K. Rogan Lab, Western University
No classification provided (evidence only). Condition: Colon adenocarcinoma. Review status: no classification provided. Collection method: in vitro. Allele origin: not applicable. Functional consequence: retained intron. Not counted in ClinVar's aggregate classification.

Dr. Peter K. Rogan Lab, Western University
No classification provided (evidence only). Condition: Colon adenocarcinoma. Review status: no classification provided. Collection method: in vitro. Allele origin: not applicable. Functional consequence: retained intron. Not counted in ClinVar's aggregate classification.

Dr. Peter K. Rogan Lab, Western University
No classification provided (evidence only). Condition: Colon adenocarcinoma. Review status: no classification provided. Collection method: in vitro. Allele origin: not applicable. Functional consequence: retained intron. Not counted in ClinVar's aggregate classification.

Dr. Peter K. Rogan Lab, Western University
No classification provided (evidence only). Condition: Colon adenocarcinoma. Review status: no classification provided. Collection method: in vitro. Allele origin: not applicable. Functional consequence: retained intron. Not counted in ClinVar's aggregate classification.

Dr. Peter K. Rogan Lab, Western University
No classification provided (evidence only). Condition: Colon adenocarcinoma. Review status: no classification provided. Collection method: in vitro. Allele origin: not applicable. Functional consequence: retained intron. Not counted in ClinVar's aggregate classification.

Dr. Peter K. Rogan Lab, Western University
No classification provided (evidence only). Condition: Colon adenocarcinoma. Review status: no classification provided. Collection method: in vitro. Allele origin: not applicable. Functional consequence: retained intron. Not counted in ClinVar's aggregate classification.

Dr. Peter K. Rogan Lab, Western University
No classification provided (evidence only). Condition: Colon adenocarcinoma. Review status: no classification provided. Collection method: in vitro. Allele origin: not applicable. Functional consequence: retained intron. Not counted in ClinVar's aggregate classification.

Dr. Peter K. Rogan Lab, Western University
No classification provided (evidence only). Condition: Colon adenocarcinoma. Review status: no classification provided. Collection method: in vitro. Allele origin: not applicable. Functional consequence: retained intron. Not counted in ClinVar's aggregate classification.

Dr. Peter K. Rogan Lab, Western University
No classification provided (evidence only). Condition: Colon adenocarcinoma. Review status: no classification provided. Collection method: in vitro. Allele origin: not applicable. Functional consequence: retained intron. Not counted in ClinVar's aggregate classification.

Dr. Peter K. Rogan Lab, Western University
No classification provided (evidence only). Condition: Colorectal cancer. Review status: no classification provided. Collection method: in vitro. Allele origin: not applicable. Functional consequence: retained intron. Not counted in ClinVar's aggregate classification.

Dr. Peter K. Rogan Lab, Western University
No classification provided (evidence only). Condition: Colorectal cancer. Review status: no classification provided. Collection method: in vitro. Allele origin: not applicable. Functional consequence: retained intron. Not counted in ClinVar's aggregate classification.

Dr. Peter K. Rogan Lab, Western University
No classification provided (evidence only). Condition: Colorectal cancer. Review status: no classification provided. Collection method: in vitro. Allele origin: not applicable. Functional consequence: retained intron. Not counted in ClinVar's aggregate classification.

Dr. Peter K. Rogan Lab, Western University
No classification provided (evidence only). Condition: Colorectal cancer. Review status: no classification provided. Collection method: in vitro. Allele origin: not applicable. Functional consequence: retained intron. Not counted in ClinVar's aggregate classification.

Dr. Peter K. Rogan Lab, Western University
No classification provided (evidence only). Condition: Colorectal cancer. Review status: no classification provided. Collection method: in vitro. Allele origin: not applicable. Functional consequence: retained intron. Not counted in ClinVar's aggregate classification.

Dr. Peter K. Rogan Lab, Western University
No classification provided (evidence only). Condition: Uterine corpus endometrial carcinoma. Review status: no classification provided. Collection method: in vitro. Allele origin: not applicable. Functional consequence: retained intron. Not counted in ClinVar's aggregate classification.

Dr. Peter K. Rogan Lab, Western University
No classification provided (evidence only). Condition: Uterine corpus endometrial carcinoma. Review status: no classification provided. Collection method: in vitro. Allele origin: not applicable. Functional consequence: retained intron. Not counted in ClinVar's aggregate classification.

Dr. Peter K. Rogan Lab, Western University
No classification provided (evidence only). Condition: Uterine corpus endometrial carcinoma. Review status: no classification provided. Collection method: in vitro. Allele origin: not applicable. Functional consequence: retained intron. Not counted in ClinVar's aggregate classification.

Dr. Peter K. Rogan Lab, Western University
No classification provided (evidence only). Condition: Uterine corpus endometrial carcinoma. Review status: no classification provided. Collection method: in vitro. Allele origin: not applicable. Functional consequence: retained intron. Not counted in ClinVar's aggregate classification.

Dr. Peter K. Rogan Lab, Western University
No classification provided (evidence only). Condition: Uterine corpus endometrial carcinoma. Review status: no classification provided. Collection method: in vitro. Allele origin: not applicable. Functional consequence: retained intron. Not counted in ClinVar's aggregate classification.

Dr. Peter K. Rogan Lab, Western University
No classification provided (evidence only). Condition: Uterine corpus endometrial carcinoma. Review status: no classification provided. Collection method: in vitro. Allele origin: not applicable. Functional consequence: skipped exon, retained intron. Not counted in ClinVar's aggregate classification.

Dr. Peter K. Rogan Lab, Western University
No classification provided (evidence only). Condition: Sarcoma. Review status: no classification provided. Collection method: in vitro. Allele origin: not applicable. Functional consequence: retained intron. Not counted in ClinVar's aggregate classification.

Dr. Peter K. Rogan Lab, Western University
No classification provided (evidence only). Condition: Sarcoma. Review status: no classification provided. Collection method: in vitro. Allele origin: not applicable. Functional consequence: retained intron. Not counted in ClinVar's aggregate classification.

Dr. Peter K. Rogan Lab, Western University
No classification provided (evidence only). Condition: Sarcoma. Review status: no classification provided. Collection method: in vitro. Allele origin: not applicable. Functional consequence: retained intron. Not counted in ClinVar's aggregate classification.

Dr. Peter K. Rogan Lab, Western University
No classification provided (evidence only). Condition: Sarcoma. Review status: no classification provided. Collection method: in vitro. Allele origin: not applicable. Functional consequence: retained intron. Not counted in ClinVar's aggregate classification.

Dr. Peter K. Rogan Lab, Western University
No classification provided (evidence only). Condition: Sarcoma. Review status: no classification provided. Collection method: in vitro. Allele origin: not applicable. Functional consequence: retained intron. Not counted in ClinVar's aggregate classification.

Dr. Peter K. Rogan Lab, Western University
No classification provided (evidence only). Condition: Sarcoma. Review status: no classification provided. Collection method: in vitro. Allele origin: not applicable. Functional consequence: retained intron. Not counted in ClinVar's aggregate classification.

Dr. Peter K. Rogan Lab, Western University
No classification provided (evidence only). Condition: Sarcoma. Review status: no classification provided. Collection method: in vitro. Allele origin: not applicable. Functional consequence: retained intron. Not counted in ClinVar's aggregate classification.

Dr. Peter K. Rogan Lab, Western University
No classification provided (evidence only). Condition: Nonpapillary renal cell carcinoma. Review status: no classification provided. Collection method: in vitro. Allele origin: not applicable. Functional consequence: retained intron. Not counted in ClinVar's aggregate classification.

Dr. Peter K. Rogan Lab, Western University
No classification provided (evidence only). Condition: Nonpapillary renal cell carcinoma. Review status: no classification provided. Collection method: in vitro. Allele origin: not applicable. Functional consequence: retained intron. Not counted in ClinVar's aggregate classification.

Dr. Peter K. Rogan Lab, Western University
No classification provided (evidence only). Condition: Nonpapillary renal cell carcinoma. Review status: no classification provided. Collection method: in vitro. Allele origin: not applicable. Functional consequence: retained intron. Not counted in ClinVar's aggregate classification.

Dr. Peter K. Rogan Lab, Western University
No classification provided (evidence only). Condition: Thymoma. Review status: no classification provided. Collection method: in vitro. Allele origin: not applicable. Functional consequence: skipped exon. Not counted in ClinVar's aggregate classification.

Dr. Peter K. Rogan Lab, Western University
No classification provided (evidence only). Condition: Thymoma. Review status: no classification provided. Collection method: in vitro. Allele origin: not applicable. Functional consequence: retained intron. Not counted in ClinVar's aggregate classification.

Dr. Peter K. Rogan Lab, Western University
No classification provided (evidence only). Condition: Thymoma. Review status: no classification provided. Collection method: in vitro. Allele origin: not applicable. Functional consequence: retained intron. Not counted in ClinVar's aggregate classification.